The following is an entry in ClinVar:

ClinVar aggregate classification (germline): Uncertain significance. Review status: criteria provided, multiple submitters, no conflicts (2 of 4 stars). 2 submissions from 2 submitters: Uncertain significance (2). Last evaluated 2019-12-10.

Allele frequency attached by ClinVar (database versions not stated): TOPMed 0.00001.
gnomAD v4.1: 2 of 1,613,814 alleles (0.00012%); highest among the groups gnomAD compares: Admixed American, 0.0017%; no homozygotes.

Submissions (2):

GeneDx
Classification: Uncertain significance. Last evaluated: 2019-12-10. Review status: criteria provided, single submitter. Criteria: GeneDx Variant Classification Process June 2021. Collection method: clinical testing. Allele origin: germline. Affected: yes.
Comment: Not observed in large population cohorts (Lek et al., 2016); Missense variant in a gene in which most reported pathogenic variants are truncating/loss-of-function; Has not been previously published as pathogenic or benign to our knowledge

Athena Diagnostics
Classification: Uncertain significance. Last evaluated: 2017-12-21. Review status: criteria provided, single submitter. Criteria: Athena Diagnostics Criteria. Collection method: clinical testing. Allele origin: germline.

NM_001267550.2(TTN):c.11584C>T (p.Pro3862Ser)

Gene: TTN (titin; minus strand). Cytogenetic location: 2q31.2.
Variant type: single nucleotide variant.
Coding change: c.11584C>T on transcript NM_001267550.2 (MANE Select); coding-DNA position 11584, C replaced by T.
Protein change: p.Pro3862Ser; replaces proline 3862 with serine.
Molecular consequence: missense variant. On other transcripts: intron variant (1).
Genome position (GRCh38, 1-based): chr2:178,741,649, G>A on the plus strand (C>T on the coding strand, the complement: TTN is on the minus strand). VCF-style: chr2-178741649-G-A. GRCh37 (hg19) VCF-style: chr2-179606376-G-A.
Other names: c.11584C>T (LRG_391t1); c.10633C>T, p.Pro3545Ser (NM_001256850.1); c.10495C>T, p.Pro3499Ser (NM_003319.4); c.10870C>T, p.Pro3624Ser (NM_133432.3); c.11071C>T, p.Pro3691Ser (NM_133437.4); c.10361-3289C>T (NM_133378.4); short protein forms P3862S, P3499S, P3624S, P3691S, P3545S.
Identifiers: ClinVar variation 586864 (VCV000586864.3), dbSNP rs375406698, ClinGen allele CA60984753.